The following is an entry in ClinVar:

ClinVar aggregate classification (germline): Uncertain significance (1 of 4 stars; one submission).

Conditions:
Inborn genetic diseases. Identifiers: MedGen C0950123, MeSH D030342.

gnomAD v4.1: 1 of 1,605,558 alleles (0.000062%); highest among the groups gnomAD compares: Admixed American, 0.0017%; no homozygotes.

Submission:

Ambry Genetics
Classification: Uncertain significance for Inborn genetic diseases. Last evaluated: 2026-04-16. Review status: criteria provided, single submitter. Criteria: Ambry Variant Classification Scheme 2023. Collection method: clinical testing. Allele origin: germline.
Comment: The c.6568C>G (p.P2190A) alteration is located in exon 20 (coding exon 20) of the ARID1B gene. This alteration results from a C to G substitution at nucleotide position 6568, causing the proline (P) at amino acid position 2190 to be replaced by an alanine (A). Based on data from gnomAD, the G allele has an overall frequency of <0.001% (1/250158) total alleles studied. The highest observed frequency was 0.003% (1/34502) of Latino alleles. Based on insufficient or conflicting evidence, the clinical significance of this alteration remains unclear.

NM_001374828.1(ARID1B):c.6937C>G (p.Pro2313Ala)

Gene: ARID1B (AT-rich interaction domain 1B; plus strand). Cytogenetic location: 6q25.3.
Variant type: single nucleotide variant.
Coding change: c.6937C>G on transcript NM_001374828.1 (MANE Select); coding-DNA position 6937, C replaced by G.
Protein change: p.Pro2313Ala; replaces proline 2313 with alanine.
Molecular consequence: missense variant.
Genome position (GRCh38, 1-based): chr6:157,207,709, C>G. VCF-style: chr6-157207709-C-G. GRCh37 (hg19) VCF-style: chr6-157528843-C-G.
Other names: c.4438C>G, p.Pro1480Ala (NM_001363725.2); c.6817C>G, p.Pro2273Ala (NM_001371656.1, NM_001374820.1); c.7066C>G, p.Pro2356Ala (NM_001438482.1); c.6979C>G, p.Pro2327Ala (NM_001438483.1); c.6847C>G, p.Pro2283Ala (NM_001438485.1); c.6820C>G, p.Pro2274Ala (NM_001438486.1); c.6757C>G, p.Pro2253Ala (NM_001438487.1); c.4279C>G, p.Pro1427Ala (NM_001438488.1); and 2 more; short protein forms P1427A, P1480A, P2253A, P2260A, P2273A, P2274A, P2283A, P2313A.
Identifiers: ClinVar variation 4863447 (VCV004863447.1).